The following is an entry in ClinVar:

NM_000256.3(MYBPC3):c.3299A>T (p.Tyr1100Phe)

Gene: MYBPC3 (myosin binding protein C3; minus strand). Cytogenetic location: 11p11.2.
Variant type: single nucleotide variant.
Coding change: c.3299A>T on transcript NM_000256.3 (MANE Select); coding-DNA position 3299, A replaced by T.
Protein change: p.Tyr1100Phe; replaces tyrosine 1100 with phenylalanine.
Molecular consequence: missense variant.
Genome position (GRCh38, 1-based): chr11:47,333,225, T>A on the plus strand (A>T on the coding strand, the complement: MYBPC3 is on the minus strand). VCF-style: chr11-47333225-T-A. GRCh37 (hg19) VCF-style: chr11-47354776-T-A.
Other names: p.Tyr1100Phe; short protein forms Y1100F.
Identifiers: ClinVar variation 922548 (VCV000922548.16), dbSNP rs769925144, ClinGen allele CA079275.

ClinVar aggregate classification (germline): Uncertain significance. Review status: criteria provided, multiple submitters, no conflicts (2 of 4 stars). 6 submissions from 6 submitters: Uncertain significance (6). Last evaluated 2026-05-12.

Conditions:
Cardiovascular phenotype. Identifiers: MedGen CN230736.
Cardiomyopathy (CMYO). Also called: Cardiomyopathies. Identifiers: Orphanet 167848, MedGen C0878544, MONDO:0004994, HP:0001638. Inheritance: Various modes of inheritance.
Hypertrophic cardiomyopathy. Also called: HYPERTROPHIC MYOCARDIOPATHY. Identifiers: Orphanet 217569, MedGen C0007194, MeSH D002312, MONDO:0005045, HP:0001639.

Allele frequency attached by ClinVar (database versions not stated): gnomAD exomes below 0.00001; TOPMed 0.00002; ExAC 0.00002.
gnomAD v4.1: 6 of 1,598,050 alleles (0.00038%); highest among the groups gnomAD compares: Non-Finnish European, 0.00051%; no homozygotes.

Submissions (6):

Ambry Genetics
Classification: Uncertain significance for Cardiovascular phenotype. Last evaluated: 2026-05-12. Review status: criteria provided, single submitter. Criteria: Ambry Variant Classification Scheme 2023. Collection method: clinical testing. Allele origin: germline.
Comment: The p.Y1100F variant (also known as c.3299A>T), located in coding exon 30 of the MYBPC3 gene, results from an A to T substitution at nucleotide position 3299. The tyrosine at codon 1100 is replaced by phenylalanine, an amino acid with highly similar properties. This amino acid position is highly conserved in available vertebrate species. In addition, this alteration is predicted to be deleterious by in silico analysis. Based on the available evidence, the clinical significance of this variant remains unclear.

Labcorp Genetics (formerly Invitae), Labcorp
Classification: Uncertain significance for Hypertrophic cardiomyopathy. Last evaluated: 2025-08-01. Review status: criteria provided, single submitter. Criteria: Invitae Variant Classification Sherloc (09022015). Collection method: clinical testing. Allele origin: germline.
Comment: This sequence change replaces tyrosine, which is neutral and polar, with phenylalanine, which is neutral and non-polar, at codon 1100 of the MYBPC3 protein (p.Tyr1100Phe). The frequency data for this variant in the population databases is considered unreliable, as metrics indicate poor data quality at this position in the gnomAD database. This variant has not been reported in the literature in individuals affected with MYBPC3-related conditions. ClinVar contains an entry for this variant (Variation ID: 922548). An algorithm developed to predict the effect of missense changes on protein structure and function (PolyPhen-2) suggests that this variant is likely to be disruptive. In summary, the available evidence is currently insufficient to determine the role of this variant in disease. Therefore, it has been classified as a Variant of Uncertain Significance.

All of Us Research Program, National Institutes of Health
Classification: Uncertain significance for Hypertrophic cardiomyopathy. Last evaluated: 2024-08-23. Review status: criteria provided, single submitter. Criteria: ACMG Guidelines, 2015. Collection method: clinical testing. Allele origin: germline. Inheritance: Autosomal dominant inheritance. Observed: 2 variant alleles, 2 heterozygotes.
Comment: This missense variant replaces tyrosine with phenylalanine at codon 1100 of the MYBPC3 protein. Computational prediction tools and conservation analyses are inconclusive regarding the impact of this variant on protein structure and function. Splice site prediction tools suggest that this variant may not impact RNA splicing. To our knowledge, functional studies have not been performed for this variant. This variant has not been reported in individuals affected with cardiovascular disorders in the literature. This variant has not been identified in the general population by the Genome Aggregation Database (gnomAD). The available evidence is insufficient to determine the role of this variant in disease conclusively. Therefore, this variant is classified as a Variant of Uncertain Significance.

This study involves interpretation of variants in research participants for the purpose of population health screening. Participant phenotype was not available at the time of variant classification. Additional details can be found in publication PMID: 35346344, PMCID: PMC8962531

Color Diagnostics, LLC DBA Color Health
Classification: Uncertain significance for Cardiomyopathy. Last evaluated: 2024-08-07. Review status: criteria provided, single submitter. Criteria: ACMG Guidelines, 2015. Collection method: clinical testing. Allele origin: germline.
Comment: This missense variant replaces tyrosine with phenylalanine at codon 1100 of the MYBPC3 protein. Computational prediction tools indicate that this variant has a deleterious impact on protein structure and function. To our knowledge, functional studies have not been reported for this variant. This variant has not been reported in individuals affected with MYBPC3-related disorders in the literature. This variant has not been identified in the general population by the Genome Aggregation Database (gnomAD). The available evidence is insufficient to determine the role of this variant in disease conclusively. Therefore, this variant is classified as a Variant of Uncertain Significance.

Mayo Clinic Laboratories, Mayo Clinic
Classification: Uncertain significance. Last evaluated: 2021-12-23. Review status: criteria provided, single submitter. Criteria: ACMG Guidelines, 2015. Collection method: clinical testing. Allele origin: germline.

AiLife Diagnostics
Classification: Uncertain significance. Last evaluated: 2021-09-29. Review status: criteria provided, single submitter. Criteria: ACMG Guidelines, 2015. Collection method: clinical testing. Allele origin: germline. Affected: yes. Observed: 2 variant alleles.